The following is an entry in ClinVar:

NM_015046.7(SETX):c.4436C>T (p.Ala1479Val)

Gene: SETX (senataxin; minus strand). Cytogenetic location: 9q34.13.
Variant type: single nucleotide variant.
Coding change: c.4436C>T on transcript NM_015046.7 (MANE Select); coding-DNA position 4436, C replaced by T.
Protein change: p.Ala1479Val; replaces alanine 1479 with valine.
Molecular consequence: missense variant.
Genome position (GRCh38, 1-based): chr9:132,327,162, G>A on the plus strand (C>T on the coding strand, the complement: SETX is on the minus strand). VCF-style: chr9-132327162-G-A. GRCh37 (hg19) VCF-style: chr9-135202549-G-A.
Other names: c.4436C>T, p.Ala1479Val (NM_001351527.2, NM_001351528.2); short protein forms A1479V.
Identifiers: ClinVar variation 468508 (VCV000468508.11), dbSNP rs761119964, ClinGen allele CA5297200.
Genomic context (GRCh38, chr9:132,327,162, plus strand): 5'-GTTAAAAATAAGTTATCTTCCTCTGCATCACTGCTGGAGTCAGGCTCTCCTTCTTTCAAA[G>A]CTGCCATCTCTATATGACGTGCTGTTGGATCACCTCCACCCAGAGGGTCTTCTGAAGTGG-3'
Protein context (NP_055861.3, residues 1469-1489): DPTARHIEMA[Ala1479Val]LKEGEPDSSS

ClinVar aggregate classification (germline): Conflicting classifications of pathogenicity. Review status: criteria provided, conflicting classifications (1 of 4 stars). 3 submissions from 3 submitters: Uncertain significance (2); Benign (1). Last evaluated 2023-05-31.

Conditions:
Inborn genetic diseases. Identifiers: MedGen C0950123, MeSH D030342.
Spinocerebellar ataxia, autosomal recessive, with axonal neuropathy 2 (SCAN2). Also called: ATAXIA-OCULOMOTOR APRAXIA 2; Ataxia with Oculomotor Apraxia; Ataxia-ocular apraxia-2; Ataxia with Oculomotor Apraxia Type 2. Identifiers: Orphanet 64753, MedGen C1853761, MONDO:0018996, OMIM 606002.
Amyotrophic lateral sclerosis type 4 (ALS4). Also called: AMYOTROPHIC LATERAL SCLEROSIS 4, JUVENILE; NEURONOPATHY, DISTAL HEREDITARY MOTOR, WITH PYRAMIDAL FEATURES. Identifiers: Orphanet 357043, MedGen C1865409, MONDO:0011223, OMIM 602433.

Allele frequency attached by ClinVar (database versions not stated): gnomAD exomes 0.00001 and 0.00002; TOPMed 0.00001; ExAC 0.00002; gnomAD 0.00004.
gnomAD v4.1: 39 of 1,613,988 alleles (0.0024%); highest among the groups gnomAD compares: Non-Finnish European, 0.0032%; no homozygotes.

Submissions (3):

Ambry Genetics
Classification: Uncertain significance for Inborn genetic diseases. Last evaluated: 2023-05-31. Review status: criteria provided, single submitter. Criteria: Ambry Variant Classification Scheme 2023. Collection method: clinical testing. Allele origin: germline.

Athena Diagnostics
Classification: Uncertain significance. Last evaluated: 2023-02-08. Review status: criteria provided, single submitter. Criteria: Athena Diagnostics Criteria. Collection method: clinical testing. Allele origin: unknown.
Comment: Available data are insufficient to determine the clinical significance of the variant at this time. The frequency of this variant in the general population is uninformative in assessment of its pathogenicity. Computational tools predict that this variant is not damaging.

Labcorp Genetics (formerly Invitae), Labcorp
Classification: Benign for Amyotrophic lateral sclerosis type 4; Spinocerebellar ataxia, autosomal recessive, with axonal neuropathy 2. Last evaluated: 2022-08-09. Review status: criteria provided, single submitter. Criteria: Invitae Variant Classification Sherloc (09022015). Collection method: clinical testing. Allele origin: germline.